The following is an entry in ClinVar:

ClinVar aggregate classification (germline): Conflicting classifications of pathogenicity. Review status: criteria provided, conflicting classifications (1 of 4 stars). 2 submissions from 2 submitters: Uncertain significance (1); Likely benign (1). Last evaluated 2025-06-01.

Conditions:
Genitopatellar syndrome (GTPTS). Also called: Genitopatellar syndrome (GPS); ABSENT PATELLAE, SCROTAL HYPOPLASIA, RENAL ANOMALIES, FACIAL DYSMORPHISM, AND MENTAL RETARDATION. Identifiers: Orphanet 85201, MedGen C1853566, MONDO:0011640, OMIM 606170.

gnomAD v4.1: 37 of 1,614,120 alleles (0.0023%); highest among the groups gnomAD compares: Non-Finnish European, 0.0028%; no homozygotes.

Submissions (2):

CeGaT Center for Human Genetics Tuebingen
Classification: Likely benign. Last evaluated: 2025-06-01. Review status: criteria provided, single submitter. Criteria: CeGaT Center For Human Genetics Tuebingen Variant Classification Criteria Version 2. Collection method: clinical testing. Allele origin: germline. Affected: yes. Observed: 1 variant allele.
Comment: KAT6B: BS2

Labcorp Genetics (formerly Invitae), Labcorp
Classification: Uncertain significance for Genitopatellar syndrome. Last evaluated: 2025-04-18. Review status: criteria provided, single submitter. Criteria: Invitae Variant Classification Sherloc (09022015). Collection method: clinical testing. Allele origin: germline.
Comment: This sequence change replaces proline, which is neutral and non-polar, with leucine, which is neutral and non-polar, at codon 1744 of the KAT6B protein (p.Pro1744Leu). This variant is present in population databases (rs780866364, gnomAD 0.01%). This variant has not been reported in the literature in individuals affected with KAT6B-related conditions. An algorithm developed to predict the effect of missense changes on protein structure and function (PolyPhen-2) suggests that this variant is likely to be tolerated. In summary, the available evidence is currently insufficient to determine the role of this variant in disease. Therefore, it has been classified as a Variant of Uncertain Significance.

NM_012330.4(KAT6B):c.5231C>T (p.Pro1744Leu)

Gene: KAT6B (lysine acetyltransferase 6B; plus strand). Cytogenetic location: 10q22.2.
Variant type: single nucleotide variant.
Coding change: c.5231C>T on transcript NM_012330.4 (MANE Select); coding-DNA position 5231, C replaced by T.
Protein change: p.Pro1744Leu; replaces proline 1744 with leucine.
Molecular consequence: missense variant.
Genome position (GRCh38, 1-based): chr10:75,030,055, C>T. VCF-style: chr10-75030055-C-T. GRCh37 (hg19) VCF-style: chr10-76789813-C-T.
Other names: c.3542C>T, p.Pro1181Leu (NM_001370133.1); c.3146C>T, p.Pro1049Leu (NM_001370134.1); c.2888C>T, p.Pro963Leu (NM_001370135.1); c.5231C>T, p.Pro1744Leu (NM_001370136.1, NM_001370137.1); c.4682C>T, p.Pro1561Leu (NM_001370138.1, NM_001256468.2); c.4355C>T, p.Pro1452Leu (NM_001370139.1, NM_001370140.1, NM_001370141.1 and 2 more transcripts); c.4193C>T, p.Pro1398Leu (NM_001370132.1); c.4166C>T, p.Pro1389Leu (NM_001370143.1, NM_001370144.1); short protein forms P1049L, P1181L, P1389L, P1398L, P1452L, P1561L, P1744L, P963L.
Identifiers: ClinVar variation 4083936 (VCV004083936.9).